The following is an entry in ClinVar:

NM_005732.4(RAD50):c.3908G>C (p.Ser1303Thr)

Genes: TH2LCRR (T helper type 2 locus control region associated RNA; minus strand), RAD50 (RAD50 double strand break repair protein; plus strand). Cytogenetic location: 5q31.1.
Variant type: single nucleotide variant.
Coding change: c.3908G>C on transcript NM_005732.4 (MANE Select); coding-DNA position 3908, G replaced by C.
Protein change: p.Ser1303Thr; replaces serine 1303 with threonine.
Molecular consequence: missense variant.
Genome position (GRCh38, 1-based): chr5:132,642,333, G>C. VCF-style: chr5-132642333-G-C. GRCh37 (hg19) VCF-style: chr5-131978025-G-C.
Other names: short protein forms S1303T.
Identifiers: ClinVar variation 484703 (VCV000484703.9), dbSNP rs766044158, ClinGen allele CA3405693.

ClinVar aggregate classification (germline): Uncertain significance. Review status: criteria provided, multiple submitters, no conflicts (2 of 4 stars). 2 submissions from 2 submitters: Uncertain significance (2). Last evaluated 2024-04-07.

Conditions:
Hereditary cancer-predisposing syndrome. Also called: Neoplastic Syndromes, Hereditary; Tumor predisposition; Hereditary Cancer Syndrome; Hereditary neoplastic syndrome. Identifiers: Orphanet 140162, MedGen C0027672, MeSH D009386, MONDO:0015356.

Allele frequency attached by ClinVar (database versions not stated): gnomAD exomes below 0.00001; ExAC 0.00001.
gnomAD v4.1: 1 of 1,614,014 alleles (0.000062%); highest among the groups gnomAD compares: Non-Finnish European, 0.000085%; no homozygotes.

Submissions (2):

Ambry Genetics
Classification: Uncertain significance for Hereditary cancer-predisposing syndrome. Last evaluated: 2024-04-07. Review status: criteria provided, single submitter. Criteria: Ambry Variant Classification Scheme 2023. Collection method: clinical testing. Allele origin: germline.
Comment: The p.S1303T variant (also known as c.3908G>C), located in coding exon 25 of the RAD50 gene, results from a G to C substitution at nucleotide position 3908. The serine at codon 1303 is replaced by threonine, an amino acid with similar properties. This amino acid position is poorly conserved in available vertebrate species. In addition, this alteration is predicted to be tolerated by in silico analysis. Since supporting evidence is limited at this time, the clinical significance of this alteration remains unclear.

Labcorp Genetics (formerly Invitae), Labcorp
Classification: Uncertain significance for Hereditary cancer-predisposing syndrome. Last evaluated: 2023-07-29. Review status: criteria provided, single submitter. Criteria: Invitae Variant Classification Sherloc (09022015). Collection method: clinical testing. Allele origin: germline.
Comment: This sequence change replaces serine, which is neutral and polar, with threonine, which is neutral and polar, at codon 1303 of the RAD50 protein (p.Ser1303Thr). This variant has not been reported in the literature in individuals affected with RAD50-related conditions. This variant is present in population databases (rs766044158, gnomAD 0.0009%). ClinVar contains an entry for this variant (Variation ID: 484703). In summary, the available evidence is currently insufficient to determine the role of this variant in disease. Therefore, it has been classified as a Variant of Uncertain Significance. Advanced modeling of protein sequence and biophysical properties (such as structural, functional, and spatial information, amino acid conservation, physicochemical variation, residue mobility, and thermodynamic stability) performed at Invitae indicates that this missense variant is expected to disrupt RAD50 protein function.